The following is an entry in ClinVar:

NM_000260.4(MYO7A):c.2494G>A (p.Ala832Thr)

Gene: MYO7A (myosin VIIA; plus strand). Cytogenetic location: 11q13.5.
Variant type: single nucleotide variant.
Coding change: c.2494G>A on transcript NM_000260.4 (MANE Select); coding-DNA position 2494, G replaced by A.
Protein change: p.Ala832Thr; replaces alanine 832 with threonine.
Molecular consequence: missense variant.
Genome position (GRCh38, 1-based): chr11:77,179,861, G>A. VCF-style: chr11-77179861-G-A. GRCh37 (hg19) VCF-style: chr11-76890907-G-A.
Other names: c.2494G>A, p.Ala832Thr (NM_001127180.2); c.2461G>A, p.Ala821Thr (NM_001369365.1); short protein forms A821T, A832T.
Identifiers: ClinVar variation 3253439 (VCV003253439.2), dbSNP rs1259877581.
Genomic context (GRCh38, chr11:77,179,861, plus strand): 5'-CTGGCCCGCCAGCGCATCATCCAGTTCCAGGCCCGCTGCCGCGCCTATCTGGTGCGCAAG[G>A]CCTTCCGCCACCGCCTCTGGGCTGTGCTCACCGTGCAGGCCTATGCCCGGGGCATGATCG-3'
Protein context (NP_000251.3, residues 822-842): ARCRAYLVRK[Ala832Thr]FRHRLWAVLT

ClinVar aggregate classification (germline): Uncertain significance. Review status: criteria provided, multiple submitters, no conflicts (2 of 4 stars). 2 submissions from 2 submitters: Uncertain significance (2). Last evaluated 2023-12-17.

Allele frequency attached by ClinVar (database versions not stated): gnomAD exomes below 0.00001; TOPMed below 0.00001; gnomAD 0.00001.

Submissions (2):

GeneDx
Classification: Uncertain significance. Last evaluated: 2023-12-17. Review status: criteria provided, single submitter. Criteria: GeneDx Variant Classification Process June 2021. Collection method: clinical testing. Allele origin: germline. Affected: yes.
Comment: Not observed at significant frequency in large population cohorts (gnomAD); In silico analysis supports that this missense variant does not alter protein structure/function; Has not been previously published as pathogenic or benign to our knowledge

Blueprint Genetics
Classification: Uncertain significance. Last evaluated: 2019-07-18. Review status: criteria provided, single submitter. Criteria: ACMG Guidelines, 2015. Collection method: clinical testing. Allele origin: germline.